The following is an entry in ClinVar:

NM_000074.3(CD40LG):c.474del (p.Lys159fs)

Gene: CD40LG (CD40 ligand; plus strand). Cytogenetic location: Xq26.3.
Variant type: Deletion.
Coding change: c.474del on transcript NM_000074.3 (MANE Select); coding-DNA position 474, one base deleted (G; older notation c.474delG).
Protein change: p.Lys159fs; shifts the reading frame from lysine 159.
Molecular consequence: frameshift variant.
Genome position (GRCh38, 1-based): chrX:136,659,103, G deleted; the last of 3 consecutive G bases (chrX:136,659,101-136,659,103); deleting any one gives the same sequence. VCF-style (leftmost placement, unchanged base first): chrX-136659100-TG-T. GRCh37 (hg19) VCF-style: chrX-135741259-TG-T.
Other names: short protein forms K159fs.
Identifiers: ClinVar variation 860268 (VCV000860268.10), dbSNP rs2076126996, ClinGen allele CA916081279.

ClinVar aggregate classification (germline): Pathogenic (1 of 4 stars; one submission).

Conditions:
Hyper-IgM syndrome type 1. Also called: Hyper-IgM Immunodeficiency Syndrome, Type 1; X-linked hyper-IgM syndrome; Immunodeficiency, X-linked, with hyper-IgM; CD40 Ligand Deficiency. Identifiers: Orphanet 101088, MedGen C0398689, MONDO:0010626, OMIM 308230.

Submission:

Labcorp Genetics (formerly Invitae), Labcorp
Classification: Pathogenic for Hyper-IgM syndrome type 1. Last evaluated: 2019-05-08. Review status: criteria provided, single submitter. Criteria: Invitae Variant Classification Sherloc (09022015). Collection method: clinical testing. Allele origin: germline.
Comment: For these reasons, this variant has been classified as Pathogenic. This variant disrupts the C-terminus of the CD40LG protein. Other variant(s) that disrupt this region (p.Gln174*, p.Gln221*) have been determined to be pathogenic (PMID: 15358621,7906987). This suggests that variants that disrupt this region of the protein are likely to be causative of disease. This variant has not been reported in the literature in individuals with CD40LG-related conditions. This variant is not present in population databases (ExAC no frequency). This sequence change results in a premature translational stop signal in the CD40LG gene (p.Lys159Asnfs*3). While this is not anticipated to result in nonsense mediated decay, it is expected to disrupt the last 103 amino acids of the CD40LG protein.

Literature cited by the submitters: PubMed 15358621; PubMed 7906987.